The following is an entry in ClinVar:

ClinVar aggregate classification (germline): Uncertain significance (1 of 4 stars; one submission).

gnomAD v4.1: 11 of 1,611,944 alleles (0.00068%); highest among the groups gnomAD compares: Non-Finnish European, 0.00093%; no homozygotes.

Submission:

Labcorp Genetics (formerly Invitae), Labcorp
Classification: Uncertain significance. Last evaluated: 2025-07-28. Review status: criteria provided, single submitter. Criteria: Invitae Variant Classification Sherloc (09022015). Collection method: clinical testing. Allele origin: germline.
Comment: This sequence change replaces arginine, which is basic and polar, with glycine, which is neutral and non-polar, at codon 209 of the MATN3 protein (p.Arg209Gly). The frequency data for this variant in the population databases is considered unreliable, as metrics indicate poor data quality at this position in the gnomAD database. This variant has not been reported in the literature in individuals affected with MATN3-related conditions. ClinVar contains an entry for this variant (Variation ID: 2100421). Invitae Evidence Modeling of protein sequence and biophysical properties (such as structural, functional, and spatial information, amino acid conservation, physicochemical variation, residue mobility, and thermodynamic stability) indicates that this missense variant is not expected to disrupt MATN3 protein function with a negative predictive value of 80%. In summary, the available evidence is currently insufficient to determine the role of this variant in disease. Therefore, it has been classified as a Variant of Uncertain Significance.

NM_002381.5(MATN3):c.625C>G (p.Arg209Gly)

Gene: MATN3 (matrilin 3; minus strand). Cytogenetic location: 2p24.1.
Variant type: single nucleotide variant.
Coding change: c.625C>G on transcript NM_002381.5 (MANE Select); coding-DNA position 625, C replaced by G.
Protein change: p.Arg209Gly; replaces arginine 209 with glycine.
Molecular consequence: missense variant.
Genome position (GRCh38, 1-based): chr2:20,005,909, G>C on the plus strand (C>G on the coding strand, the complement: MATN3 is on the minus strand). VCF-style: chr2-20005909-G-C. GRCh37 (hg19) VCF-style: chr2-20205670-G-C.
Other names: short protein forms R209G.
Identifiers: ClinVar variation 2100421 (VCV002100421.4), dbSNP rs375487489, ClinGen allele CA345950707.
Genomic context (GRCh38, chr2:20,005,909, plus strand): 5'-ACGCCATGTCTGCCCGGTCCACGCCCACAGCATAGAGCTCAATACCAGATGCTTGGGCCC[G>C]AGCCGCCACCTCATTCACCTGGTCCTGGGGCCTCCCATCTGTAACAATGATGGCCACCTT-3'
Protein context (NP_002372.1, residues 199-219): PQDQVNEVAA[Arg209Gly]AQASGIELYA